The following is an entry in ClinVar:

NM_000785.4(CYP27B1):c.196-4C>G

Gene: CYP27B1 (cytochrome P450 family 27 subfamily B member 1; minus strand). Cytogenetic location: 12q14.1.
Variant type: single nucleotide variant.
Coding change: c.196-4C>G on transcript NM_000785.4 (MANE Select); 4 bases into the intron before coding-DNA position 196, C replaced by G.
Molecular consequence: intron variant.
Genome position (GRCh38, 1-based): chr12:57,766,201, G>C on the plus strand (C>G on the coding strand, the complement: CYP27B1 is on the minus strand). VCF-style: chr12-57766201-G-C. GRCh37 (hg19) VCF-style: chr12-58159984-G-C.
Other names: c.196-4C>G (NM_000785.3).
Identifiers: ClinVar variation 2976338 (VCV002976338.5), dbSNP rs762847002, ClinGen allele CA6658509.
Genomic context (GRCh38, chr12:57,766,201, plus strand): 5'-GCGCACTGTCCCAAAGCTGGCTAGCCACACCGGCCCGAAGTGCGCGGCGCCCTGCACCTG[G>C]GGGAGCGGACACAGCGGACACTTGGATACCTGGGCGGGGACTTTCAGCTTGACCTGTGCC-3'

ClinVar aggregate classification (germline): Likely benign. Review status: criteria provided, multiple submitters, no conflicts (2 of 4 stars). 3 submissions from 3 submitters: Likely benign (3). Last evaluated 2025-12-09.

Conditions:
Inborn genetic diseases. Identifiers: MedGen C0950123, MeSH D030342.

Allele frequency attached by ClinVar (database versions not stated): ExAC 0.00008.
gnomAD v4.1: 5 of 1,533,390 alleles (0.00033%); highest among the groups gnomAD compares: East Asian, 0.0074%; no homozygotes.

Submissions (3):

Women's Health and Genetics/Laboratory Corporation of America, LabCorp
Classification: Likely benign. Last evaluated: 2025-12-09. Review status: criteria provided, single submitter. Criteria: LabCorp Variant Classification Summary - May 2015. Collection method: clinical testing. Allele origin: germline.
Comment: Variant summary: CYP27B1 c.196-4C>G alters a non-conserved nucleotide located at a position not widely known to affect splicing. Consensus agreement among computation tools predict no significant impact on normal splicing. However, these predictions have yet to be confirmed by functional studies. The frequency data for this variant in gnomAD is considered unreliable, as metrics indicate poor data quality at this position. To our knowledge, no occurrence of c.196-4C>G in individuals affected with CYP27B1-related conditions and no experimental evidence demonstrating its impact on protein function have been reported. ClinVar contains an entry for this variant (Variation ID: 2976338). Based on the evidence outlined above, the variant was classified as likely benign.

Ambry Genetics
Classification: Likely benign for Inborn genetic diseases. Last evaluated: 2024-06-07. Review status: criteria provided, single submitter. Criteria: Ambry Variant Classification Scheme 2023. Collection method: clinical testing. Allele origin: germline.

Labcorp Genetics (formerly Invitae), Labcorp
Classification: Likely benign. Last evaluated: 2023-11-06. Review status: criteria provided, single submitter. Criteria: Invitae Variant Classification Sherloc (09022015). Collection method: clinical testing. Allele origin: germline.